The following is an entry in ClinVar:

ClinVar aggregate classification (germline): Uncertain significance (1 of 4 stars; one submission).

Conditions:
Hereditary cancer-predisposing syndrome. Also called: Hereditary Cancer Syndrome; Hereditary neoplastic syndrome; Neoplastic Syndromes, Hereditary; Tumor predisposition. Identifiers: Orphanet 140162, MedGen C0027672, MeSH D009386, MONDO:0015356.

Submission:

Ambry Genetics
Classification: Uncertain significance for Hereditary cancer-predisposing syndrome. Last evaluated: 2025-09-06. Review status: criteria provided, single submitter. Criteria: Ambry Variant Classification Scheme 2023. Collection method: clinical testing. Allele origin: germline.
Comment: The p.A649T variant (also known as c.1945G>A), located in coding exon 11 of the ALK gene, results from a G to A substitution at nucleotide position 1945. The alanine at codon 649 is replaced by threonine, an amino acid with similar properties. This amino acid position is conserved. In addition, this alteration is predicted to be tolerated by in silico analysis. Based on the available evidence, the clinical significance of this variant remains unclear.

NM_004304.5(ALK):c.1945G>A (p.Ala649Thr)

Gene: ALK (ALK receptor tyrosine kinase; minus strand). Cytogenetic location: 2p23.2.
Variant type: single nucleotide variant.
Coding change: c.1945G>A on transcript NM_004304.5 (MANE Select); coding-DNA position 1945, G replaced by A.
Protein change: p.Ala649Thr; replaces alanine 649 with threonine.
Molecular consequence: missense variant.
Genome position (GRCh38, 1-based): chr2:29,275,195, C>T on the plus strand (G>A on the coding strand, the complement: ALK is on the minus strand). VCF-style: chr2-29275195-C-T. GRCh37 (hg19) VCF-style: chr2-29498061-C-T.
Other names: short protein forms A649T.
Identifiers: ClinVar variation 4273230 (VCV004273230.1).
Genomic context (GRCh38, chr2:29,275,195, plus strand): 5'-TTTCCCCGGGTTTCAGCTCCTTGTTTGGGTTTCTCTCAAACAGGTTTCTTGATTTGGGTG[C>T]TGTATTCTGCAGGATCTTGTCCTCTCCGCTAACTGCAATAGAGAAGACCCCACGGGCTGA-3'
Protein context (NP_004295.2, residues 639-659): SGEDKILQNT[Ala649Thr]PKSRNLFERN